The following is an entry in ClinVar:

NM_005609.4(PYGM):c.1465C>T (p.Pro489Ser)

Gene: PYGM (glycogen phosphorylase, muscle associated; minus strand). Cytogenetic location: 11q13.1.
Variant type: single nucleotide variant.
Coding change: c.1465C>T on transcript NM_005609.4 (MANE Select); coding-DNA position 1465, C replaced by T.
Protein change: p.Pro489Ser; replaces proline 489 with serine.
Molecular consequence: missense variant.
Genome position (GRCh38, 1-based): chr11:64,753,126, G>A on the plus strand (C>T on the coding strand, the complement: PYGM is on the minus strand). VCF-style: chr11-64753126-G-A. GRCh37 (hg19) VCF-style: chr11-64520598-G-A.
Other names: c.1201C>T, p.Pro401Ser (NM_001164716.1); short protein forms P489S, P401S.
Identifiers: ClinVar variation 424518 (VCV000424518.9), dbSNP rs752622662, ClinGen allele CA6079853.

ClinVar aggregate classification (germline): Conflicting classifications of pathogenicity. Review status: criteria provided, conflicting classifications (1 of 4 stars). 6 submissions from 6 submitters: Likely pathogenic (3); Uncertain significance (2). 1 of the submissions does not count toward it. Last evaluated 2026-06-23.

Conditions:
Glycogen storage disease, type V (GSD5). Also called: MCARDLE DISEASE; MUSCLE GLYCOGEN PHOSPHORYLASE DEFICIENCY; MYOPHOSPHORYLASE DEFICIENCY; PYGM DEFICIENCY; McArdle type glycogen storage disease. Identifiers: Orphanet 368, MedGen C0017924, MONDO:0009293, OMIM 232600.

Allele frequency attached by ClinVar (database versions not stated): gnomAD exomes 0.00002; ExAC 0.00001; gnomAD 0.00003 and 0.00004; TOPMed 0.00003.
gnomAD v4.1: 127 of 1,614,028 alleles (0.0079%); highest among the groups gnomAD compares: Middle Eastern, 0.082%; no homozygotes.

Submissions (6):

Myriad Genetics, Inc.
Classification: Uncertain significance for Glycogen storage disease, type V. Last evaluated: 2026-06-23. Review status: criteria provided, single submitter. Criteria: Myriad Autosomal Dominant, Autosomal Recessive and X-Linked Classification Criteria (2023). Collection method: clinical testing. Allele origin: unknown.
Comment: NM_005609.2(PYGM):c.1465C>T(P489S) is a missense variant classified as a variant of uncertain significance in the context of glycogen storage disease, PYGM-related. P489S has not been observed in cases with relevant disease. Relevant functional assessments of this variant are not available in the literature. P489S has been observed in referenced population frequency databases. In summary, there is insufficient evidence to classify NM_005609.2(PYGM):c.1465C>T(P489S) as pathogenic or benign. Please note: this variant was assessed in the context of healthy population screening.

Labcorp Genetics (formerly Invitae), Labcorp
Classification: Likely pathogenic for Glycogen storage disease, type V. Last evaluated: 2025-10-08. Review status: criteria provided, single submitter. Criteria: Invitae Variant Classification Sherloc (09022015). Collection method: clinical testing. Allele origin: germline.
Comment: This sequence change replaces proline, which is neutral and non-polar, with serine, which is neutral and polar, at codon 489 of the PYGM protein (p.Pro489Ser). This variant is present in population databases (rs752622662, gnomAD 0.006%). This variant has not been reported in the literature in individuals affected with PYGM-related conditions. ClinVar contains an entry for this variant (Variation ID: 424518). Invitae Evidence Modeling of protein sequence and biophysical properties (such as structural, functional, and spatial information, amino acid conservation, physicochemical variation, residue mobility, and thermodynamic stability) indicates that this missense variant is expected to disrupt PYGM protein function with a positive predictive value of 95%. This variant disrupts the p.Pro489 amino acid residue in PYGM. Other variant(s) that disrupt this residue have been determined to be pathogenic (PMID: 19472443, 21658951). This suggests that this residue is clinically significant, and that variants that disrupt this residue are likely to be disease-causing. In summary, the currently available evidence indicates that the variant is pathogenic, but additional data are needed to prove that conclusively. Therefore, this variant has been classified as Likely Pathogenic.

First Genomix Gene Laboratory, Genetic Diagnostics Department
Classification: Likely pathogenic for Glycogen storage disease, type V. Last evaluated: 2025-03-18. Review status: criteria provided, single submitter. Criteria: ACMG Guidelines, 2015. Collection method: clinical testing. Allele origin: germline. Inheritance: Autosomal recessive inheritance. Affected: no. Observed: 1 variant allele.

Fulgent Genetics
Classification: Uncertain significance for Glycogen storage disease, type V. Last evaluated: 2024-06-04. Review status: criteria provided, single submitter. Criteria: ACMG Guidelines, 2015. Collection method: clinical testing. Allele origin: germline.

GeneDx
Classification: Likely pathogenic. Last evaluated: 2017-03-27. Review status: criteria provided, single submitter. Criteria: GeneDx Variant Classification (06012015). Collection method: clinical testing. Allele origin: germline. Affected: yes.
Comment: A variant that is likely pathogenic has been identified in the PYGM gene. The P489S variant has not been published as a pathogenic variant, nor has it been reported as a benign variant to our knowledge. However, a different missense variant at the same position (P489R) has been reported previously in an individual with McArdle disease who also had a second pathogenic PYGM variant identified (Duno et al., 2009). The P489S variant is not observed at a significant frequency in large population cohorts (Lek et al., 2016; 1000 Genomes Consortium et al., 2015; Exome Variant Server). The P489S variant is a non-conservative amino acid substitution, which is likely to impact secondary protein structure as these residues differ in polarity, charge, size and/or other properties. This substitution occurs at a position that is conserved across species, and multiple missense variants in nearby residues have been reported in the Human Gene Mutation Database in association with McArdle disease (Stenson et al., 2014), supporting the functional importance of this region of the protein. In silico analysis predicts this variant is probably damaging to the protein structure/function. Therefore, this variant is likely pathogenic; however, the possibility that it is benign cannot be excluded.

Counsyl
Classification: Uncertain significance for Glycogen storage disease, type V. Last evaluated: 2017-08-16. Review status: no assertion criteria provided. Collection method: clinical testing. Allele origin: unknown. Not counted in ClinVar's aggregate classification.

Literature cited by the submitters: PubMed 19472443 (cited by Labcorp Genetics (formerly Invitae), Labcorp); PubMed 21658951 (cited by Labcorp Genetics (formerly Invitae), Labcorp).